The following is an entry in ClinVar:

NM_020937.4(FANCM):c.4517A>T (p.His1506Leu)

Gene: FANCM (FA complementation group M; plus strand). Cytogenetic location: 14q21.2.
Variant type: single nucleotide variant.
Coding change: c.4517A>T on transcript NM_020937.4 (MANE Select); coding-DNA position 4517, A replaced by T.
Protein change: p.His1506Leu; replaces histidine 1506 with leucine.
Molecular consequence: missense variant.
Genome position (GRCh38, 1-based): chr14:45,185,218, A>T. VCF-style: chr14-45185218-A-T. GRCh37 (hg19) VCF-style: chr14-45654421-A-T.
Other names: c.4439A>T, p.His1480Leu (NM_001308133.2); short protein forms H1480L, H1506L.
Identifiers: ClinVar variation 1312566 (VCV001312566.7), dbSNP rs775457463, ClinGen allele CA389608008.

ClinVar aggregate classification (germline): Conflicting classifications of pathogenicity. Review status: criteria provided, conflicting classifications (1 of 4 stars). 4 submissions from 4 submitters: Uncertain significance (2); Likely benign (2). Last evaluated 2025-07-10.

Conditions:
Inborn genetic diseases. Identifiers: MedGen C0950123, MeSH D030342.
Fanconi anemia (FA). Also called: Fanconi's anemia. Identifiers: Orphanet 84, MedGen C0015625, MeSH D005199, MONDO:0019391.

gnomAD v4.1: 1 of 1,578,374 alleles (0.000063%); highest among the groups gnomAD compares: Non-Finnish European, 0.000087%; no homozygotes.

Submissions (4):

Ambry Genetics
Classification: Likely benign for Inborn genetic diseases. Last evaluated: 2025-07-10. Review status: criteria provided, single submitter. Criteria: Ambry Variant Classification Scheme 2023. Collection method: clinical testing. Allele origin: germline.

Blueprint Genetics
Classification: Likely benign. Last evaluated: 2024-09-04. Review status: criteria provided, single submitter. Criteria: ACMG Guidelines, 2015. Collection method: clinical testing. Allele origin: germline.

Labcorp Genetics (formerly Invitae), Labcorp
Classification: Uncertain significance for Fanconi anemia. Last evaluated: 2023-06-23. Review status: criteria provided, single submitter. Criteria: Invitae Variant Classification Sherloc (09022015). Collection method: clinical testing. Allele origin: germline.
Comment: This variant is not present in population databases (gnomAD no frequency). This sequence change replaces histidine, which is basic and polar, with leucine, which is neutral and non-polar, at codon 1506 of the FANCM protein (p.His1506Leu). In summary, the available evidence is currently insufficient to determine the role of this variant in disease. Therefore, it has been classified as a Variant of Uncertain Significance. Algorithms developed to predict the effect of missense changes on protein structure and function output the following: SIFT: "Not Available"; PolyPhen-2: "Benign"; Align-GVGD: "Not Available". The leucine amino acid residue is found in multiple mammalian species, which suggests that this missense change does not adversely affect protein function. ClinVar contains an entry for this variant (Variation ID: 1312566). This variant has not been reported in the literature in individuals affected with FANCM-related conditions.

GeneDx
Classification: Uncertain significance. Last evaluated: 2020-03-02. Review status: criteria provided, single submitter. Criteria: GeneDx Variant Classification Process June 2021. Collection method: clinical testing. Allele origin: germline. Affected: yes.
Comment: Not observed in large population cohorts (Lek 2016); In silico analysis supports that this missense variant has a deleterious effect on protein structure/function; Has not been previously published as pathogenic or benign to our knowledge